The following is an entry in ClinVar:

ClinVar aggregate classification (germline): Uncertain significance. Review status: criteria provided, multiple submitters, no conflicts (2 of 4 stars). 2 submissions from 2 submitters: Uncertain significance (2). Last evaluated 2025-07-28.

Conditions:
Vitamin B2 deficiency. Identifiers: MedGen C0035528.

Allele frequency attached by ClinVar (database versions not stated): ExAC 0.00004; gnomAD 0.00006 and 0.00007; TOPMed 0.00006; ESP Exome Variant Server 0.00008; gnomAD exomes 0.00009.
gnomAD v4.1: 147 of 1,614,238 alleles (0.0091%); highest among the groups gnomAD compares: Middle Eastern, 0.082%; no homozygotes.

Submissions (2):

Labcorp Genetics (formerly Invitae), Labcorp
Classification: Uncertain significance for Vitamin B2 deficiency. Last evaluated: 2025-07-28. Review status: criteria provided, single submitter. Criteria: Invitae Variant Classification Sherloc (09022015). Collection method: clinical testing. Allele origin: germline.
Comment: This sequence change replaces arginine, which is basic and polar, with tryptophan, which is neutral and slightly polar, at codon 212 of the SLC52A1 protein (p.Arg212Trp). This variant is present in population databases (rs370188723, gnomAD 0.01%). This variant has not been reported in the literature in individuals affected with SLC52A1-related conditions. ClinVar contains an entry for this variant (Variation ID: 1358886). Invitae Evidence Modeling of protein sequence and biophysical properties (such as structural, functional, and spatial information, amino acid conservation, physicochemical variation, residue mobility, and thermodynamic stability) indicates that this missense variant is not expected to disrupt SLC52A1 protein function with a negative predictive value of 80%. In summary, the available evidence is currently insufficient to determine the role of this variant in disease. Therefore, it has been classified as a Variant of Uncertain Significance.

Ambry Genetics
Classification: Uncertain significance. Last evaluated: 2023-10-05. Review status: criteria provided, single submitter. Criteria: Ambry Variant Classification Scheme 2023. Collection method: clinical testing. Allele origin: germline.

NM_017986.4(SLC52A1):c.634C>T (p.Arg212Trp)

Gene: SLC52A1 (solute carrier family 52 member 1; minus strand). Cytogenetic location: 17p13.2.
Variant type: single nucleotide variant.
Coding change: c.634C>T on transcript NM_017986.4 (MANE Select); coding-DNA position 634, C replaced by T.
Protein change: p.Arg212Trp; replaces arginine 212 with tryptophan.
Molecular consequence: missense variant.
Genome position (GRCh38, 1-based): chr17:5,033,855, G>A on the plus strand (C>T on the coding strand, the complement: SLC52A1 is on the minus strand). VCF-style: chr17-5033855-G-A. GRCh37 (hg19) VCF-style: chr17-4937150-G-A.
Other names: c.634C>T, p.Arg212Trp (NM_001104577.2); c.634C>T (NM_001104577.1); short protein forms R212W.
Identifiers: ClinVar variation 1358886 (VCV001358886.7), dbSNP rs370188723, ClinGen allele CA8319739.